The following is an entry in ClinVar:

ClinVar aggregate classification (germline): Pathogenic (1 of 4 stars; one submission).

Conditions:
Hereditary breast ovarian cancer syndrome. Also called: Hereditary breast and ovarian cancer syndrome (HBOC); Breast and ovarian cancer; Hereditary breast and ovarian cancer; Hereditary breast and ovarian cancer syndrome; BRCA1- and BRCA2-Associated Hereditary Breast and Ovarian Cancer; Hereditary breast and/or ovarian cancer syndrome. Identifiers: Orphanet 145, MedGen C0677776, MeSH D061325, MONDO:0003582. Disease mechanism: loss of function.

Submission:

Labcorp Genetics (formerly Invitae), Labcorp
Classification: Pathogenic for Hereditary breast ovarian cancer syndrome. Last evaluated: 2023-11-02. Review status: criteria provided, single submitter. Criteria: Invitae Variant Classification Sherloc (09022015). Collection method: clinical testing. Allele origin: germline.
Comment: This sequence change creates a premature translational stop signal (p.Leu1042*) in the BRCA2 gene. It is expected to result in an absent or disrupted protein product. Loss-of-function variants in BRCA2 are known to be pathogenic (PMID: 20104584). This variant is not present in population databases (gnomAD no frequency). This variant has not been reported in the literature in individuals affected with BRCA2-related conditions. For these reasons, this variant has been classified as Pathogenic.

Literature cited by the submitters: PubMed 20104584.

NM_000059.4(BRCA2):c.3125T>A (p.Leu1042Ter)

Gene: BRCA2 (BRCA2 DNA repair associated; plus strand). Cytogenetic location: 13q13.1.
Variant type: single nucleotide variant.
Coding change: c.3125T>A on transcript NM_000059.4 (MANE Select); coding-DNA position 3125, T replaced by A.
Protein change: p.Leu1042Ter; replaces leucine 1042 with a stop codon.
Molecular consequence: nonsense. On other transcripts: non-coding transcript variant (1), intron variant (2).
Genome position (GRCh38, 1-based): chr13:32,337,480, T>A. VCF-style: chr13-32337480-T-A. GRCh37 (hg19) VCF-style: chr13-32911617-T-A.
Other names: c.3125T>A, p.Leu1042Ter (NM_001406719.1, NM_001406720.1); c.1909+4093T>A (NM_001406721.1); c.424+6450T>A (NM_001406722.1); short protein forms L1042*.
Identifiers: ClinVar variation 2692719 (VCV002692719.3), dbSNP rs1593898642, ClinGen allele CA387775715.
Genomic context (GRCh38, chr13:32,337,480, plus strand): 5'-ATAACATTAAGAAGAGCAAAATGTTCTTCAAAGATATTGAAGAACAATATCCTACTAGTT[T>A]AGCTTGTGTTGAAATTGTAAATACCTTGGCATTAGATAATCAAAAGAAACTGAGCAAGCC-3'